The following is an entry in ClinVar:

ClinVar aggregate classification (germline): Likely pathogenic (1 of 4 stars; one submission).

Conditions:
Cold-induced sweating syndrome. Also called: Cold-Induced Sweating Syndrome Including Crisponi Syndrome. Identifiers: Orphanet 157820, MedGen C1832409, MONDO:0015526.

Submission:

Women's Health and Genetics/Laboratory Corporation of America, LabCorp
Classification: Likely pathogenic for Cold-induced sweating syndrome. Last evaluated: 2022-06-08. Review status: criteria provided, single submitter. Criteria: LabCorp Variant Classification Summary - May 2015. Collection method: clinical testing. Allele origin: germline.
Comment: Variant summary: CRLF1 c.1A>G (p.Met1?, aka. p.Met1Val) alters the initiation codon and is predicted to result either in absence of the protein or truncation of the encoded protein due to translation initiation at a downstream codon. The next downstream in-frame start codon is found at Met148, however translation initiation at this position results in an N-terminally truncated protein product, with the loss of the N-terminal signal peptide required for secretion (PMID: 23818941, 35055176), and would also affect the fibronectin type III domain (amino acids 132-232; IPR003961). In addition, a truncating variant (c.31_53del23 (p.Gln11Valfs*68)) has been reported upstream of this potential alternative initiation codon (i.e. Met148) in affected individuals (see PMID: 20186812, 24488861, 20400119). The variant was absent in 141830 control chromosomes (gnomAD v3.1, genomes dataset). The available data on variant occurrences in the general population are insufficient to allow any conclusion about variant significance. To our knowledge, no occurrence of c.1A>G in individuals affected with Cold-Induced Sweating Syndrome and no experimental evidence demonstrating its impact on protein function have been reported. No clinical diagnostic laboratories have submitted clinical-significance assessments for this variant to ClinVar after 2014. Based on the evidence outlined above, the variant was classified as likely pathogenic.

NM_004750.5(CRLF1):c.1A>G (p.Met1Val)

Gene: CRLF1 (cytokine receptor like factor 1; minus strand). Cytogenetic location: 19p13.11.
Variant type: single nucleotide variant.
Coding change: c.1A>G on transcript NM_004750.5 (MANE Select); coding-DNA position 1, A replaced by G.
Protein change: p.Met1Val; changes the start codon (methionine 1).
Molecular consequence: missense variant, initiator codon variant.
Genome position (GRCh38, 1-based): chr19:18,606,656, T>C on the plus strand (A>G on the coding strand, the complement: CRLF1 is on the minus strand). VCF-style: chr19-18606656-T-C. GRCh37 (hg19) VCF-style: chr19-18717466-T-C.
Other names: short protein forms M1V.
Identifiers: ClinVar variation 1698520 (VCV001698520.2), dbSNP rs2145339928, ClinGen allele CA404852593.
Genomic context (GRCh38, chr19:18,606,656, plus strand): 5'-GCAGCAACGGCGGCGGCCGCCGCGCGGATTGGGCGGCGGGGCCCCGGCGGCCGGCGGGCA[T>C]GGGGCCGGCGCTGCCGGGGGCGCGCGGCGGGCTGCGGCTCGGCGGCGGTGGCGCAGGGCG-3'
Protein context (NP_004741.1, residues 1-11): [Met1Val]PAGRRGPAAQ